The following is an entry in ClinVar:

NM_001323043.2(PHTF1):c.1620T>G (p.Leu540=)

Gene: PHTF1 (putative homeodomain transcription factor 1; minus strand). Cytogenetic location: 1p13.2.
Variant type: single nucleotide variant.
Coding change: c.1620T>G on transcript NM_001323043.2 (MANE Select); coding-DNA position 1620, T replaced by G.
Protein change: p.Leu540=; no amino-acid change (leucine 540 retained).
Molecular consequence: synonymous variant. On other transcripts: non-coding transcript variant (5).
Genome position (GRCh38, 1-based): chr1:113,705,941, A>C on the plus strand (T>G on the coding strand, the complement: PHTF1 is on the minus strand). VCF-style: chr1-113705941-A-C. GRCh37 (hg19) VCF-style: chr1-114248563-A-C.
Other names: c.1620T>G, p.Leu540= (NM_001323041.2, NM_001323042.2, NM_001323047.2 and 5 more transcripts); c.1494T>G, p.Leu498= (NM_001323044.2, NM_001323045.2, NM_001323050.2 and 1 more transcripts); c.762T>G, p.Leu254= (NM_001323046.2).
Identifiers: ClinVar variation 2639001 (VCV002639001.24), dbSNP rs1303988199, ClinGen allele CA419542910.

ClinVar aggregate classification (germline): Likely benign (1 of 4 stars; one submission).

Allele frequency attached by ClinVar (database versions not stated): TOPMed below 0.00001; gnomAD exomes 0.00001.
gnomAD v4.1: 8 of 1,614,096 alleles (0.0005%); highest among the groups gnomAD compares: Non-Finnish European, 0.00068%; no homozygotes.

Submission:

CeGaT Center for Human Genetics Tuebingen
Classification: Likely benign. Last evaluated: 2022-09-01. Review status: criteria provided, single submitter. Criteria: CeGaT Center For Human Genetics Tuebingen Variant Classification Criteria Version 2. Collection method: clinical testing. Allele origin: germline. Affected: yes. Observed: 1 variant allele.
Comment: PHTF1: PM2:Supporting, BP4, BP7